The following is an entry in ClinVar:

NM_000090.4(COL3A1):c.3976G>C (p.Val1326Leu)

Gene: COL3A1 (collagen type III alpha 1 chain; plus strand). Cytogenetic location: 2q32.2.
Variant type: single nucleotide variant.
Coding change: c.3976G>C on transcript NM_000090.4 (MANE Select); coding-DNA position 3976, G replaced by C.
Protein change: p.Val1326Leu; replaces valine 1326 with leucine.
Molecular consequence: missense variant.
Genome position (GRCh38, 1-based): chr2:189,010,330, G>C. VCF-style: chr2-189010330-G-C. GRCh37 (hg19) VCF-style: chr2-189875056-G-C.
Other names: short protein forms V1326L.
Identifiers: ClinVar variation 4758361 (VCV004758361.1).
Genomic context (GRCh38, chr2:189,010,330, plus strand): 5'-AATCCTTTGAATGTTCCACGGAAACACTGGTGGACAGATTCTAGTGCTGAGAAGAAACAC[G>C]TTTGGTTTGGAGAGTCCATGGATGGTGGTTTTCAGGTAGGAAAGGATATACCTTTTTTTA-3'
Protein context (NP_000081.2, residues 1316-1336): WTDSSAEKKH[Val1326Leu]WFGESMDGGF

ClinVar aggregate classification (germline): Uncertain significance (1 of 4 stars; one submission).

Conditions:
Familial thoracic aortic aneurysm and aortic dissection (TAAD). Also called: Thoracic aortic aneurysms and dissections. Identifiers: Orphanet 91387, MedGen C4707243, MONDO:0019625.

gnomAD v4.1: 1 of 1,614,008 alleles (0.000062%); highest among the groups gnomAD compares: African/African-American, 0.0013%; no homozygotes.

Submission:

Color Diagnostics, LLC DBA Color Health
Classification: Uncertain significance for Familial thoracic aortic aneurysm and aortic dissection. Last evaluated: 2025-09-05. Review status: criteria provided, single submitter. Criteria: ACMG Guidelines, 2015. Collection method: clinical testing. Allele origin: germline.
Comment: This missense variant replaces valine with leucine at codon 1326 of the COL3A1 protein. Computational prediction suggests that this variant may not impact protein structure and function. To our knowledge, functional studies have not been reported for this variant. This variant has not been reported in individuals affected with COL3A1-related disorders in the literature. This variant has been identified in 1/31404 chromosomes in the general population by the Genome Aggregation Database (gnomAD). The available evidence is insufficient to determine the role of this variant in disease conclusively. Therefore, this variant is classified as a Variant of Uncertain Significance.